The following is an entry in ClinVar:

NM_001361.5(DHODH):c.1067C>T (p.Thr356Met)

Genes: DHODH (dihydroorotate dehydrogenase (quinone); plus strand), LOC126862390 (MED14-independent group 3 enhancer GRCh37_chr16:72057307-72058506; plus strand). Cytogenetic location: 16q22.2.
Variant type: single nucleotide variant.
Coding change: c.1067C>T on transcript NM_001361.5 (MANE Select); coding-DNA position 1067, C replaced by T.
Protein change: p.Thr356Met; replaces threonine 356 with methionine.
Molecular consequence: missense variant.
Genome position (GRCh38, 1-based): chr16:72,023,567, C>T. VCF-style: chr16-72023567-C-T. GRCh37 (hg19) VCF-style: chr16-72057466-C-T.
Other names: short protein forms T356M.
Identifiers: ClinVar variation 1705007 (VCV001705007.2), dbSNP rs563071819, ClinGen allele CA8158854.

ClinVar aggregate classification (germline): Uncertain significance (1 of 4 stars; one submission).

Allele frequency attached by ClinVar (database versions not stated): ExAC 0.00003; gnomAD 0.00005; TOPMed 0.00005; 1000 Genomes Project 30x 0.00016; 1000 Genomes Project 0.00020.

Submission:

GeneDx
Classification: Uncertain significance. Last evaluated: 2022-03-06. Review status: criteria provided, single submitter. Criteria: GeneDx Variant Classification Process June 2021. Collection method: clinical testing. Allele origin: germline. Affected: yes.
Comment: In silico analysis supports that this missense variant has a deleterious effect on protein structure/function; Has not been previously published as pathogenic or benign to our knowledge